The following is an entry in ClinVar:

ClinVar aggregate classification (germline): Conflicting classifications of pathogenicity. Review status: criteria provided, conflicting classifications (1 of 4 stars). 2 submissions from 2 submitters: Likely pathogenic (1); Uncertain significance (1). Last evaluated 2025-08-07.

Conditions:
Inborn genetic diseases. Identifiers: MedGen C0950123, MeSH D030342.
CC2D2A-related disorder. Also called: CC2D2A-related condition; CC2D2A-related disorders. Identifiers: MedGen CN239313.

Allele frequency attached by ClinVar (database versions not stated): TOPMed below 0.00001; ExAC 0.00001; gnomAD exomes 0.00001 and 0.00004.
gnomAD v4.1: 53 of 1,608,800 alleles (0.0033%); highest among the groups gnomAD compares: Non-Finnish European, 0.0044%; no homozygotes.

Submissions (2):

PreventionGenetics, part of Exact Sciences
Classification: Likely pathogenic for CC2D2A-related condition. Last evaluated: 2025-08-07. Review status: criteria provided, single submitter. Criteria: ACMG Guidelines, 2015. Collection method: clinical testing. Allele origin: germline.
Comment: The CC2D2A c.4787C>G variant is predicted to result in the amino acid substitution p.Ala1596Gly. A different variant at the same amino acid residue (p.Ala1596Thr) has been reported as pathogenic in individuals with phenotypes consistent with Joubert syndrome (Supplemental Material, Harion et al. 2023. PubMed ID: 36319078). This variant is reported in 0.0027% of alleles in individuals of European (Non-Finnish) descent in gnomAD. This variant is interpreted as likely pathogenic.

Ambry Genetics
Classification: Uncertain significance for Inborn genetic diseases. Last evaluated: 2018-10-09. Review status: criteria provided, single submitter. Criteria: Ambry exome assertion method (8-5-2015). Collection method: clinical testing. Allele origin: germline. Affected: yes. Observed: 1 variant allele.

NM_001378615.1(CC2D2A):c.4787C>G (p.Ala1596Gly)

Genes: CC2D2A (coiled-coil and C2 domain containing 2A; plus strand), FBXL5 (F-box and leucine rich repeat protein 5; minus strand). Cytogenetic location: 4p15.32.
Variant type: single nucleotide variant.
Coding change: c.4787C>G on transcript NM_001378615.1 (MANE Select); coding-DNA position 4787, C replaced by G.
Protein change: p.Ala1596Gly; replaces alanine 1596 with glycine.
Molecular consequence: missense variant.
Genome position (GRCh38, 1-based): chr4:15,601,349, C>G. VCF-style: chr4-15601349-C-G. GRCh37 (hg19) VCF-style: chr4-15602972-C-G.
Other names: c.4787C>G, p.Ala1596Gly (NM_001080522.2); c.4640C>G, p.Ala1547Gly (NM_001378617.1); short protein forms A1547G, A1596G.
Identifiers: ClinVar variation 985463 (VCV000985463.4), dbSNP rs749398663, ClinGen allele CA2864482.
Genomic context (GRCh38, chr4:15,601,349, plus strand): 5'-ACGCTGTGTATAGTACTGGAGTACATAATATTGATGTTCCTAATGTTGAATTTGCTTTAG[C>G]TGTATACATACACCCATACCCCAAAAATGTTTTGTCTGTTTGGATCTATGTTGCCTCTCT-3'
Protein context (NP_001365544.1, residues 1586-1606): IDVPNVEFAL[Ala1596Gly]VYIHPYPKNV